The following is an entry in ClinVar:

ClinVar aggregate classification (germline): Uncertain significance (1 of 4 stars; one submission).

Allele frequency attached by ClinVar (database versions not stated): ExAC 0.00001; gnomAD 0.00001; gnomAD exomes 0.00001 and 0.00003; TOPMed 0.00001.
gnomAD v4.1: 40 of 1,613,890 alleles (0.0025%); highest among the groups gnomAD compares: Non-Finnish European, 0.0034%; no homozygotes.

Submission:

Labcorp Genetics (formerly Invitae), Labcorp
Classification: Uncertain significance. Last evaluated: 2024-08-11. Review status: criteria provided, single submitter. Criteria: Invitae Variant Classification Sherloc (09022015). Collection method: clinical testing. Allele origin: germline.
Comment: This sequence change replaces threonine, which is neutral and polar, with alanine, which is neutral and non-polar, at codon 866 of the FLNB protein (p.Thr866Ala). This variant is present in population databases (rs767117429, gnomAD 0.002%). This variant has not been reported in the literature in individuals affected with FLNB-related conditions. ClinVar contains an entry for this variant (Variation ID: 1347289). Advanced modeling of protein sequence and biophysical properties (such as structural, functional, and spatial information, amino acid conservation, physicochemical variation, residue mobility, and thermodynamic stability) performed at Invitae indicates that this missense variant is not expected to disrupt FLNB protein function with a negative predictive value of 95%. In summary, the available evidence is currently insufficient to determine the role of this variant in disease. Therefore, it has been classified as a Variant of Uncertain Significance.

NM_001457.4(FLNB):c.2596A>G (p.Thr866Ala)

Gene: FLNB (filamin B; plus strand). Cytogenetic location: 3p14.3.
Variant type: single nucleotide variant.
Coding change: c.2596A>G on transcript NM_001457.4 (MANE Select); coding-DNA position 2596, A replaced by G.
Protein change: p.Thr866Ala; replaces threonine 866 with alanine.
Molecular consequence: missense variant.
Genome position (GRCh38, 1-based): chr3:58,112,169, A>G. VCF-style: chr3-58112169-A-G. GRCh37 (hg19) VCF-style: chr3-58097896-A-G.
Other names: c.2596A>G, p.Thr866Ala (NM_001164317.2, NM_001164318.2, NM_001164319.2); short protein forms T866A.
Identifiers: ClinVar variation 1347289 (VCV001347289.6), dbSNP rs767117429, ClinGen allele CA2468180.